The following is an entry in ClinVar:

NM_000135.4(FANCA):c.2385G>C (p.Arg795Ser)

Gene: FANCA (FA complementation group A; minus strand). Cytogenetic location: 16q24.3.
Variant type: single nucleotide variant.
Coding change: c.2385G>C on transcript NM_000135.4 (MANE Select); coding-DNA position 2385, G replaced by C.
Protein change: p.Arg795Ser; replaces arginine 795 with serine.
Molecular consequence: missense variant.
Genome position (GRCh38, 1-based): chr16:89,769,956, C>G on the plus strand (G>C on the coding strand, the complement: FANCA is on the minus strand). VCF-style: chr16-89769956-C-G. GRCh37 (hg19) VCF-style: chr16-89836364-C-G.
Other names: c.2385G>C, p.Arg795Ser (NM_001286167.3); short protein forms R795S.
Identifiers: ClinVar variation 3669971 (VCV003669971.3).

ClinVar aggregate classification (germline): Uncertain significance. Review status: criteria provided, multiple submitters, no conflicts (2 of 4 stars). 2 submissions from 2 submitters: Uncertain significance (2). Last evaluated 2026-05-31.

Conditions:
Fanconi anemia (FA). Also called: Fanconi's anemia. Identifiers: Orphanet 84, MedGen C0015625, MeSH D005199, MONDO:0019391.
Inborn genetic diseases. Identifiers: MedGen C0950123, MeSH D030342.

Submissions (2):

Ambry Genetics
Classification: Uncertain significance for Inborn genetic diseases. Last evaluated: 2026-05-31. Review status: criteria provided, single submitter. Criteria: Ambry Variant Classification Scheme 2023. Collection method: clinical testing. Allele origin: germline.
Comment: The p.R795S variant (also known as c.2385G>C), located in coding exon 26 of the FANCA gene, results from a G to C substitution at nucleotide position 2385. The arginine at codon 795 is replaced by serine, an amino acid with dissimilar properties. This amino acid position is conserved. In addition, this alteration is predicted to be tolerated by in silico analysis. Based on the available evidence, the clinical significance of this variant remains unclear.

Labcorp Genetics (formerly Invitae), Labcorp
Classification: Uncertain significance for Fanconi anemia. Last evaluated: 2025-06-11. Review status: criteria provided, single submitter. Criteria: Invitae Variant Classification Sherloc (09022015). Collection method: clinical testing. Allele origin: germline.
Comment: This sequence change replaces arginine, which is basic and polar, with serine, which is neutral and polar, at codon 795 of the FANCA protein (p.Arg795Ser). This variant is not present in population databases (gnomAD no frequency). This variant has not been reported in the literature in individuals affected with FANCA-related conditions. ClinVar contains an entry for this variant (Variation ID: 3669971). Invitae Evidence Modeling of protein sequence and biophysical properties (such as structural, functional, and spatial information, amino acid conservation, physicochemical variation, residue mobility, and thermodynamic stability) indicates that this missense variant is not expected to disrupt FANCA protein function with a negative predictive value of 95%. In summary, the available evidence is currently insufficient to determine the role of this variant in disease. Therefore, it has been classified as a Variant of Uncertain Significance.